The following is an entry in ClinVar:

ClinVar aggregate classification (germline): Uncertain significance (1 of 4 stars; one submission).

Submission:

Labcorp Genetics (formerly Invitae), Labcorp
Classification: Uncertain significance. Last evaluated: 2024-12-19. Review status: criteria provided, single submitter. Criteria: Invitae Variant Classification Sherloc (09022015). Collection method: clinical testing. Allele origin: germline.
Comment: This variant, c.2058_2060del, results in the deletion of 1 amino acid(s) of the ACAN protein (p.Glu687del), but otherwise preserves the integrity of the reading frame. This variant is not present in population databases (gnomAD no frequency). This variant has not been reported in the literature in individuals affected with ACAN-related conditions. Experimental studies and prediction algorithms are not available or were not evaluated, and the functional significance of this variant is currently unknown. In summary, the available evidence is currently insufficient to determine the role of this variant in disease. Therefore, it has been classified as a Variant of Uncertain Significance.

NM_001369268.1(ACAN):c.2052AGA[2] (p.Glu687del)

Gene: ACAN (aggrecan; plus strand). Cytogenetic location: 15q26.1.
Variant type: Microsatellite.
Coding change: c.2052AGA[2] on transcript NM_001369268.1 (MANE Select); two copies in a row of the 3-base unit AGA starting at c.2052; the reference has three copies in a row; one copy, 3 bases deleted.
Protein change: p.Glu687del; deletes glutamic acid 687.
Molecular consequence: inframe deletion.
Genome position (GRCh38, 1-based): chr15:88,851,825-88,851,827, AGA deleted; deleting any 3 consecutive bases within chr15:88,851,819-88,851,827 gives the same sequence; the position shown is the placement nearest the transcript's 3' end. VCF-style (leftmost placement, unchanged base first): chr15-88851818-GAGA-G. GRCh37 (hg19) VCF-style: chr15-89395049-GAGA-G.
Other names: c.2052AGA[2], p.Glu687del (NM_001135.4, NM_001411096.1, NM_001411097.1 and 1 more transcripts); short protein forms E687del.
Identifiers: ClinVar variation 3618793 (VCV003618793.2).
Genomic context (GRCh38, chr15:88,851,818, plus strand): 5'-AGAGGGACTCACTCTGACCACCCACATCTCCTTTAGGCATTTCAGCGGTTCCTTCTCCAG[GAGA>G]AGAAGAGGGTGGCACACCCACATCACCCTCTGGTGTGGAGGAGTGGATCGTGACCCAAGT-3'